The following is an entry in ClinVar:

NM_004336.5(BUB1):c.2776G>C (p.Gly926Arg)

Gene: BUB1 (BUB1 mitotic checkpoint serine/threonine kinase; minus strand). Cytogenetic location: 2q13.
Variant type: single nucleotide variant.
Coding change: c.2776G>C on transcript NM_004336.5 (MANE Select); coding-DNA position 2776, G replaced by C.
Protein change: p.Gly926Arg; replaces glycine 926 with arginine.
Molecular consequence: missense variant. On other transcripts: intron variant (1).
Genome position (GRCh38, 1-based): chr2:110,641,314, C>G on the plus strand (G>C on the coding strand, the complement: BUB1 is on the minus strand). VCF-style: chr2-110641314-C-G. GRCh37 (hg19) VCF-style: chr2-111398891-C-G.
Other names: c.2716G>C, p.Gly906Arg (NM_001278616.2); c.2626-122G>C (NM_001278617.2); short protein forms G926R, G906R.
Identifiers: ClinVar variation 2464674 (VCV002464674.2), dbSNP rs1485771644, ClinGen allele CA348089373.
Genomic context (GRCh38, chr2:110,641,314, plus strand): 5'-AGGCTGCTATGGAAATAGGAAGAGAAGAACCCTGTTAAAAGCATAACACTTGCCCGTTTC[C>G]AAGTATGAAATTGTCTGGTTTAATGTCTCCATGAATGATTTCACAGTCATGCACTTGCTC-3'
Protein context (NP_004327.1, residues 916-936): GDIKPDNFIL[Gly926Arg]NGFLEQDDED

ClinVar aggregate classification (germline): Uncertain significance (1 of 4 stars; one submission).

Allele frequency attached by ClinVar (database versions not stated): gnomAD exomes below 0.00001; gnomAD 0.00001; TOPMed 0.00001.
gnomAD v4.1: 6 of 1,605,446 alleles (0.00037%); highest among the groups gnomAD compares: Admixed American, 0.0017%; no homozygotes.

Submission:

Ambry Genetics
Classification: Uncertain significance. Last evaluated: 2022-12-15. Review status: criteria provided, single submitter. Criteria: Ambry Variant Classification Scheme 2023. Collection method: clinical testing. Allele origin: germline.
Comment: The p.G926R variant (also known as c.2776G>C), located in coding exon 22 of the BUB1 gene, results from a G to C substitution at nucleotide position 2776. The glycine at codon 926 is replaced by arginine, an amino acid with dissimilar properties. This amino acid position is conserved. In addition, this alteration is predicted to be deleterious by in silico analysis. Since supporting evidence is limited at this time, the clinical significance of this alteration remains unclear.